The following is an entry in ClinVar:

ClinVar aggregate classification (germline): Uncertain significance (1 of 4 stars; one submission).

Conditions:
Epidermolysis bullosa simplex 5B, with muscular dystrophy (EBS5B). Also called: EPIDERMOLYSIS BULLOSA SIMPLEX AND LIMB-GIRDLE MUSCULAR DYSTROPHY; Epidermolysis bullosa simplex with muscular dystrophy. Identifiers: Orphanet 257, MedGen C2931072, MONDO:0009181, OMIM 226670.
Epidermolysis bullosa simplex 5C, with pyloric atresia (EBS5C). Also called: Epidermolysis bullosa simplex with pyloric atresia; PLEC-Related Epidermolysis Bullosa with Pyloric Atresia; PLEC1-Related Epidermolysis Bullosa with Pyloric Atresia. Identifiers: Orphanet 158684, MedGen C2677349, MONDO:0012807, OMIM 612138.
Autosomal recessive limb-girdle muscular dystrophy type 2Q (LGMDR17). Also called: MUSCULAR DYSTROPHY, LIMB-GIRDLE, AUTOSOMAL RECESSIVE 17. Identifiers: Orphanet 254361, MedGen C3150989, MONDO:0013390, OMIM 613723.
Epidermolysis bullosa simplex with nail dystrophy (EBS5D). Identifiers: MedGen C4225309, MONDO:0014661, OMIM 616487.
Epidermolysis bullosa simplex, Ogna type (EBS5A). Also called: Pidermolysis bullosa simplex 5A, Ogna type; EPIDERMOLYSIS BULLOSA SIMPLEX 5A, OGNA TYPE. Identifiers: Orphanet 79401, MedGen C0432317, MONDO:0007555, OMIM 131950.

Allele frequency attached by ClinVar (database versions not stated): gnomAD exomes below 0.00001; TOPMed 0.00001.
gnomAD v4.1: 5 of 1,613,196 alleles (0.00031%); highest among the groups gnomAD compares: Non-Finnish European, 0.00042%; no homozygotes.

Submission:

Labcorp Genetics (formerly Invitae), Labcorp
Classification: Uncertain significance for Autosomal recessive limb-girdle muscular dystrophy type 2Q; Epidermolysis bullosa simplex, Ogna type; Epidermolysis bullosa simplex with nail dystrophy; Epidermolysis bullosa simplex 5C, with pyloric atresia; Epidermolysis bullosa simplex 5B, with muscular dystrophy. Last evaluated: 2022-10-24. Review status: criteria provided, single submitter. Criteria: Invitae Variant Classification Sherloc (09022015). Collection method: clinical testing. Allele origin: germline.
Comment: Algorithms developed to predict the effect of missense changes on protein structure and function (SIFT, PolyPhen-2, Align-GVGD) all suggest that this variant is likely to be disruptive. ClinVar contains an entry for this variant (Variation ID: 1047071). This variant has not been reported in the literature in individuals affected with PLEC-related conditions. This variant is not present in population databases (gnomAD no frequency). This sequence change replaces glycine, which is neutral and non-polar, with serine, which is neutral and polar, at codon 3304 of the PLEC protein (p.Gly3304Ser). In summary, the available evidence is currently insufficient to determine the role of this variant in disease. Therefore, it has been classified as a Variant of Uncertain Significance.

NM_201384.3(PLEC):c.9829G>A (p.Gly3277Ser)

Gene: PLEC (plectin; minus strand). Cytogenetic location: 8q24.3.
Variant type: single nucleotide variant.
Coding change: c.9829G>A on transcript NM_201384.3 (MANE Select); coding-DNA position 9829, G replaced by A.
Protein change: p.Gly3277Ser; replaces glycine 3277 with serine.
Molecular consequence: missense variant.
Genome position (GRCh38, 1-based): chr8:143,919,992, C>T on the plus strand (G>A on the coding strand, the complement: PLEC is on the minus strand). VCF-style: chr8-143919992-C-T. GRCh37 (hg19) VCF-style: chr8-144994160-C-T.
Other names: c.9829G>A, p.Gly3277Ser (NM_201382.4); c.9841G>A, p.Gly3281Ser (NM_201383.3); c.9910G>A, p.Gly3304Ser (NM_000445.5); c.9787G>A, p.Gly3263Ser (NM_201378.4); c.9763G>A, p.Gly3255Ser (NM_201379.3); c.10240G>A, p.Gly3414Ser (NM_201380.4); c.9733G>A, p.Gly3245Ser (NM_201381.3); short protein forms G3263S, G3414S, G3281S, G3245S, G3277S, G3255S, G3304S.
Identifiers: ClinVar variation 1047071 (VCV001047071.9), dbSNP rs1258900653, ClinGen allele CA372506473.